The following is an entry in ClinVar:

NM_017934.7(PHIP):c.1934G>A (p.Ser645Asn)

Gene: PHIP (PHIP subunit of CUL4-Ring ligase complex; minus strand). Cytogenetic location: 6q14.1.
Variant type: single nucleotide variant.
Coding change: c.1934G>A on transcript NM_017934.7 (MANE Select); coding-DNA position 1934, G replaced by A.
Protein change: p.Ser645Asn; replaces serine 645 with asparagine.
Molecular consequence: missense variant.
Genome position (GRCh38, 1-based): chr6:78,998,337, C>T on the plus strand (G>A on the coding strand, the complement: PHIP is on the minus strand). VCF-style: chr6-78998337-C-T. GRCh37 (hg19) VCF-style: chr6-79708054-C-T.
Other names: short protein forms S645N.
Identifiers: ClinVar variation 4989998 (VCV004989998.1).

ClinVar aggregate classification (germline): Uncertain significance (1 of 4 stars; one submission).

Conditions:
PHIP-related disorder. Also called: PHIP-related disorders; PHIP-related condition.

gnomAD v4.1: 9 of 1,613,378 alleles (0.00056%); highest among the groups gnomAD compares: Non-Finnish European, 0.00076%; no homozygotes.

Submission:

PreventionGenetics, part of Exact Sciences
Classification: Uncertain significance for PHIP-related condition. Last evaluated: 2025-10-15. Review status: criteria provided, single submitter. Criteria: ACMG Guidelines, 2015. Collection method: clinical testing. Allele origin: germline.
Comment: The PHIP c.1934G>A variant is predicted to result in the amino acid substitution p.Ser645Asn. To our knowledge, this variant has not been reported in the literature or in a large population database (gnomAD), indicating this variant is rare. At this time, the clinical significance of this variant is uncertain due to the absence of conclusive functional and genetic evidence.